The following is an entry in ClinVar:

NM_000093.5(COL5A1):c.2545G>A (p.Gly849Arg)

Gene: COL5A1 (collagen type V alpha 1 chain; plus strand). Cytogenetic location: 9q34.3.
Variant type: single nucleotide variant.
Coding change: c.2545G>A on transcript NM_000093.5 (MANE Select); coding-DNA position 2545, G replaced by A.
Protein change: p.Gly849Arg; replaces glycine 849 with arginine.
Molecular consequence: missense variant.
Genome position (GRCh38, 1-based): chr9:134,785,049, G>A. VCF-style: chr9-134785049-G-A. GRCh37 (hg19) VCF-style: chr9-137676895-G-A.
Other names: c.2545G>A, p.Gly849Arg (NM_001278074.1); short protein forms G849R.
Identifiers: ClinVar variation 2986906 (VCV002986906.4), dbSNP rs780407879, ClinGen allele CA5319448.

ClinVar aggregate classification (germline): Benign. Review status: criteria provided, single submitter (1 of 4 stars). 2 submissions from 2 submitters: Benign (1). 1 of the submissions does not count toward it. Last evaluated 2025-09-30.

Conditions:
Ehlers-Danlos syndrome, classic type, 1 (EDSCL1). Also called: EDS I; EHLERS-DANLOS SYNDROME, GRAVIS TYPE; EHLERS-DANLOS SYNDROME, SEVERE CLASSIC TYPE; Ehlers-Danlos syndrome, type 1; Ehlers-Danlos Syndrome, Classic Type, COL5A1-Related. Identifiers: MedGen C0268335, MONDO:0019567, OMIM 130000.
COL5A1-related disorder. Also called: COL5A1-related condition.

Allele frequency attached by ClinVar (database versions not stated): ExAC 0.00001; gnomAD 0.00001; gnomAD exomes below 0.00001; TOPMed 0.00001.
gnomAD v4.1: 6 of 1,613,314 alleles (0.00037%); highest among the groups gnomAD compares: East Asian, 0.0045%; no homozygotes.

Submissions (2):

Labcorp Genetics (formerly Invitae), Labcorp
Classification: Benign for Ehlers-Danlos syndrome, classic type, 1. Last evaluated: 2025-09-30. Review status: criteria provided, single submitter. Criteria: Invitae Variant Classification Sherloc (09022015). Collection method: clinical testing. Allele origin: germline.

PreventionGenetics, part of Exact Sciences
Classification: Uncertain significance for COL5A1-related condition. Last evaluated: 2024-04-12. Review status: no assertion criteria provided. Collection method: clinical testing. Allele origin: germline. Not counted in ClinVar's aggregate classification.
Comment: The COL5A1 c.2545G>A variant is predicted to result in the amino acid substitution p.Gly849Arg. To our knowledge, this variant has not been reported in the literature. This variant is reported in 0.011% of alleles in individuals of East Asian descent in gnomAD. At this time, the clinical significance of this variant is uncertain due to the absence of conclusive functional and genetic evidence.